The following is an entry in ClinVar:

NM_000059.4(BRCA2):c.413G>A (p.Cys138Tyr)

Gene: BRCA2 (BRCA2 DNA repair associated; plus strand). Cytogenetic location: 13q13.1.
Variant type: single nucleotide variant.
Coding change: c.413G>A on transcript NM_000059.4 (MANE Select); coding-DNA position 413, G replaced by A.
Protein change: p.Cys138Tyr; replaces cysteine 138 with tyrosine.
Molecular consequence: missense variant.
Genome position (GRCh38, 1-based): chr13:32,325,172, G>A. VCF-style: chr13-32325172-G-A. GRCh37 (hg19) VCF-style: chr13-32899309-G-A.
Other names: short protein forms C138Y.
Identifiers: ClinVar variation 631215 (VCV000631215.8), dbSNP rs397507324, ClinGen allele CA387756750.
Genomic context (GRCh38, chr13:32,325,172, plus strand): 5'-GCACAGTGAAAACTAAAATGGATCAAGCAGATGATGTTTCCTGTCCACTTCTAAATTCTT[G>A]TCTTAGTGAAAGGTATGATGAAGCTATTATATTAAAATATTTAAATGAAACATTTTCCTA-3'
Protein context (NP_000050.3, residues 128-148): DDVSCPLLNS[Cys138Tyr]LSESPVVLQC

ClinVar aggregate classification (germline): Uncertain significance. Review status: criteria provided, multiple submitters, no conflicts (2 of 4 stars). 4 submissions from 4 submitters: Uncertain significance (4). Last evaluated 2026-01-20.

Conditions:
Hereditary cancer-predisposing syndrome. Also called: Tumor predisposition; Neoplastic Syndromes, Hereditary; Hereditary neoplastic syndrome; Hereditary Cancer Syndrome. Identifiers: Orphanet 140162, MedGen C0027672, MeSH D009386, MONDO:0015356.
Hereditary breast ovarian cancer syndrome. Also called: Hereditary breast and ovarian cancer; Hereditary breast and ovarian cancer syndrome (HBOC); Breast and ovarian cancer; Hereditary breast and ovarian cancer syndrome; BRCA1- and BRCA2-Associated Hereditary Breast and Ovarian Cancer; Hereditary breast and/or ovarian cancer syndrome. Identifiers: Orphanet 145, MedGen C0677776, MeSH D061325, MONDO:0003582. Disease mechanism: loss of function.

gnomAD v4.1: 3 of 1,583,660 alleles (0.00019%); highest among the groups gnomAD compares: South Asian, 0.0011%; no homozygotes.

Submissions (4):

Labcorp Genetics (formerly Invitae), Labcorp
Classification: Uncertain significance for Hereditary breast ovarian cancer syndrome. Last evaluated: 2026-01-20. Review status: criteria provided, single submitter. Criteria: Invitae Variant Classification Sherloc (09022015). Collection method: clinical testing. Allele origin: germline.
Comment: This sequence change replaces cysteine, which is neutral and slightly polar, with tyrosine, which is neutral and polar, at codon 138 of the BRCA2 protein (p.Cys138Tyr). This variant is not present in population databases (gnomAD no frequency). This variant has not been reported in the literature in individuals affected with BRCA2-related conditions. ClinVar contains an entry for this variant (Variation ID: 631215). Invitae Evidence Modeling of protein sequence and biophysical properties (such as structural, functional, and spatial information, amino acid conservation, physicochemical variation, residue mobility, and thermodynamic stability) indicates that this missense variant is not expected to disrupt BRCA2 protein function with a negative predictive value of 95%. In summary, the available evidence is currently insufficient to determine the role of this variant in disease. Therefore, it has been classified as a Variant of Uncertain Significance.

Ambry Genetics
Classification: Uncertain significance for Hereditary cancer-predisposing syndrome. Last evaluated: 2025-06-26. Review status: criteria provided, single submitter. Criteria: Ambry Variant Classification Scheme 2023. Collection method: clinical testing. Allele origin: germline.
Comment: The p.C138Y variant (also known as c.413G>A), located in coding exon 3 of the BRCA2 gene, results from a G to A substitution at nucleotide position 413. The cysteine at codon 138 is replaced by tyrosine, an amino acid with highly dissimilar properties. This amino acid position is not well conserved in available vertebrate species. In addition, this alteration is predicted to be tolerated by in silico analysis. Based on the available evidence, the clinical significance of this variant remains unclear.

Color Diagnostics, LLC DBA Color Health
Classification: Uncertain significance for Hereditary cancer-predisposing syndrome. Last evaluated: 2023-12-05. Review status: criteria provided, single submitter. Criteria: ACMG Guidelines, 2015. Collection method: clinical testing. Allele origin: germline.
Comment: This missense variant replaces cysteine with tyrosine at codon 138 of the BRCA2 protein. Computational prediction suggests that this variant may not impact protein structure and function (internally defined REVEL score threshold <= 0.5, PMID: 27666373). To our knowledge, functional studies have not been reported for this variant. This variant has not been reported in individuals affected with BRCA2-related disorders in the literature. This variant has been identified in 1/250262 chromosomes in the general population by the Genome Aggregation Database (gnomAD). The available evidence is insufficient to determine the role of this variant in disease conclusively. Therefore, this variant is classified as a Variant of Uncertain Significance.

Quest Diagnostics Nichols Institute San Juan Capistrano
Classification: Uncertain significance. Last evaluated: 2023-06-21. Review status: criteria provided, single submitter. Criteria: Quest Diagnostics criteria. Collection method: clinical testing. Allele origin: unknown.
Comment: This variant has not been reported in the published literature. The frequency of this variant in the general population, 0.000004 (1/250262 chromosomes (Genome Aggregation Database)), is uninformative in the assessment of its pathogenicity. Analysis of this variant using bioinformatics tools for the prediction of the effect of amino acid changes on protein structure and function yielded predictions that this variant is benign. Based on the available information, we are unable to determine the clinical significance of this variant.